The following is an entry in ClinVar:

NM_015122.3(FCHO1):c.2362G>A (p.Val788Ile)

Gene: FCHO1 (FCH and mu domain containing endocytic adaptor 1; plus strand). Cytogenetic location: 19p13.11.
Variant type: single nucleotide variant.
Coding change: c.2362G>A on transcript NM_015122.3 (MANE Select); coding-DNA position 2362, G replaced by A.
Protein change: p.Val788Ile; replaces valine 788 with isoleucine.
Molecular consequence: missense variant. On other transcripts: non-coding transcript variant (35), intron variant (5).
Genome position (GRCh38, 1-based): chr19:17,784,860, G>A. VCF-style: chr19-17784860-G-A. GRCh37 (hg19) VCF-style: chr19-17895669-G-A.
Other names: c.2362G>A, p.Val788Ile (NM_001384378.1, NM_001384379.1, NM_001384380.1 and 11 more transcripts); c.2212G>A, p.Val738Ile (NM_001384384.1, NM_001384385.1, NM_001384386.1 and 1 more transcripts); c.2341G>A, p.Val781Ile (NM_001384387.1); c.2323G>A, p.Val775Ile (NM_001384388.1, NM_001384389.1); c.2287G>A, p.Val763Ile (NM_001384390.1); c.2245G>A, p.Val749Ile (NM_001384392.1, NM_001384393.1, NM_001384394.1 and 1 more transcripts); c.2041G>A, p.Val681Ile (NM_001384403.1); c.1950+625G>A (NM_001384404.1); and 5 more; short protein forms V775I, V788I, V738I, V681I, V696I, V749I, V781I, V763I.
Identifiers: ClinVar variation 2176980 (VCV002176980.4), dbSNP rs752333328, ClinGen allele CA9300850.

ClinVar aggregate classification (germline): Uncertain significance (1 of 4 stars; one submission).

gnomAD v4.1: 36 of 1,613,570 alleles (0.0022%); highest among the groups gnomAD compares: Middle Eastern, 0.016%; no homozygotes.

Submission:

Labcorp Genetics (formerly Invitae), Labcorp
Classification: Uncertain significance. Last evaluated: 2024-08-12. Review status: criteria provided, single submitter. Criteria: Invitae Variant Classification Sherloc (09022015). Collection method: clinical testing. Allele origin: germline.
Comment: This sequence change replaces valine, which is neutral and non-polar, with isoleucine, which is neutral and non-polar, at codon 788 of the FCHO1 protein (p.Val788Ile). This variant is present in population databases (rs752333328, gnomAD 0.008%). This variant has not been reported in the literature in individuals affected with FCHO1-related conditions. ClinVar contains an entry for this variant (Variation ID: 2176980). An algorithm developed to predict the effect of missense changes on protein structure and function (PolyPhen-2) suggests that this variant is likely to be tolerated. In summary, the available evidence is currently insufficient to determine the role of this variant in disease. Therefore, it has been classified as a Variant of Uncertain Significance.